The following is an entry in ClinVar:

ClinVar aggregate classification (germline): Uncertain significance (1 of 4 stars; one submission).

gnomAD v4.1: 1 of 1,614,180 alleles (0.000062%); highest among the groups gnomAD compares: Non-Finnish European, 0.000085%; no homozygotes.

Submission:

GeneDx
Classification: Uncertain significance. Last evaluated: 2026-03-09. Review status: criteria provided, single submitter. Criteria: GeneDx Variant Classification Process June 2021. Collection method: clinical testing. Allele origin: germline.
Comment: Not observed at significant frequency in large population cohorts (gnomAD); In silico analysis supports that this missense variant has a deleterious effect on protein structure/function; Has not been previously published as pathogenic or benign to our knowledge

NM_170606.3(KMT2C):c.5789C>T (p.Ser1930Leu)

Gene: KMT2C (lysine methyltransferase 2C; minus strand). Cytogenetic location: 7q36.1.
Variant type: single nucleotide variant.
Coding change: c.5789C>T on transcript NM_170606.3 (MANE Select); coding-DNA position 5789, C replaced by T.
Protein change: p.Ser1930Leu; replaces serine 1930 with leucine.
Molecular consequence: missense variant.
Genome position (GRCh38, 1-based): chr7:152,182,071, G>A on the plus strand (C>T on the coding strand, the complement: KMT2C is on the minus strand). VCF-style: chr7-152182071-G-A. GRCh37 (hg19) VCF-style: chr7-151879156-G-A.
Other names: short protein forms S1930L.
Identifiers: ClinVar variation 5008888 (VCV005008888.1).
Genomic context (GRCh38, chr7:152,182,071, plus strand): 5'-CTGACAGGGGATGGCCTATTTGCTGTTGTCTCATTCATTTGAAGGGGCCTAGATACCGAT[G>A]ATAAAGGTGTACAGTTTTCCACTGGTGCAGCAGAATTTCTTCTGGAAAAACTATGGCCCA-3'
Protein context (NP_733751.2, residues 1920-1940): AAPVENCTPL[Ser1930Leu]SVSRPLQMNE